The following is an entry in ClinVar:

ClinVar aggregate classification (germline): Conflicting classifications of pathogenicity. Review status: criteria provided, conflicting classifications (1 of 4 stars). 11 submissions from 11 submitters: Uncertain significance (5); Likely benign (5). 1 of the submissions does not count toward it. Last evaluated 2026-03-03.

Conditions:
Inborn genetic diseases. Identifiers: MedGen C0950123, MeSH D030342.
POLG-related disorder. Also called: POLG-Related Spectrum Disorders; POLG-related condition; POLG-Related Disorders. Identifiers: MedGen C4763519.
Hereditary spastic paraplegia. Also called: Familial spastic paraparesis. Identifiers: Orphanet 685, MedGen C0037773, MONDO:0019064. Disease mechanism: loss of function.
Progressive sclerosing poliodystrophy (MTDPS4A). Also called: NEURONAL DEGENERATION OF CHILDHOOD WITH LIVER DISEASE, PROGRESSIVE; Mitochondrial DNA depletion syndrome 4A (Alpers type); ALPERS PROGRESSIVE INFANTILE POLIODYSTROPHY; Mitochondrial DNA Depletion Syndrome 4A; Alpers-Huttenlocher Syndrome (AHS); Alpers Syndrome. Identifiers: Orphanet 726, MedGen C0205710, MONDO:0008758, OMIM 203700.

Submissions (11):

Women's Health and Genetics/Laboratory Corporation of America, LabCorp
Classification: Uncertain significance. Last evaluated: 2026-03-03. Review status: criteria provided, single submitter. Criteria: LabCorp Variant Classification Summary - May 2015. Collection method: clinical testing. Allele origin: germline.
Comment: Variant summary: POLG c.125_127dupGGC (p.Arg42dup) results in an in-frame duplication that is predicted to duplicate one amino acid into the encoded protein. The variant allele was found at a frequency of 0.00014 in 202064 control chromosomes (gnomAD). This frequency is not significantly higher than estimated for disease-causing variants in POLG, allowing no conclusion about variant significance. To our knowledge, no occurrence of c.125_127dupGGC in individuals affected with POLG-related conditions and no experimental evidence demonstrating its impact on protein function have been reported. ClinVar contains an entry for this variant (Variation ID: 419072). Based on the evidence outlined above, the variant was classified as uncertain significance.

Labcorp Genetics (formerly Invitae), Labcorp
Classification: Likely benign for Progressive sclerosing poliodystrophy. Last evaluated: 2026-02-03. Review status: criteria provided, single submitter. Criteria: Invitae Variant Classification Sherloc (09022015). Collection method: clinical testing. Allele origin: germline.

Mayo Clinic Laboratories, Mayo Clinic
Classification: Uncertain significance. Last evaluated: 2025-11-01. Review status: criteria provided, single submitter. Criteria: ACMG Guidelines, 2015. Collection method: clinical testing. Allele origin: germline. Observed: 4 variant alleles.
Comment: PM4

Blueprint Genetics
Classification: Likely benign. Last evaluated: 2024-11-11. Review status: criteria provided, single submitter. Criteria: ACMG Guidelines, 2015. Collection method: clinical testing. Allele origin: germline.

GeneDx
Classification: Likely benign. Last evaluated: 2022-07-22. Review status: criteria provided, single submitter. Criteria: GeneDx Variant Classification Process June 2021. Collection method: clinical testing. Allele origin: germline. Affected: yes.
Comment: See Variant Classification Assertion Criteria.

Ambry Genetics
Classification: Likely benign for Inborn genetic diseases. Last evaluated: 2021-10-09. Review status: criteria provided, single submitter. Criteria: Ambry Variant Classification Scheme 2023. Collection method: clinical testing. Allele origin: germline.

Athena Diagnostics
Classification: Uncertain significance. Last evaluated: 2020-08-21. Review status: criteria provided, single submitter. Criteria: Athena Diagnostics Criteria. Collection method: clinical testing. Allele origin: unknown.

Eurofins Ntd Llc (ga)
Classification: Uncertain significance. Last evaluated: 2017-01-10. Review status: criteria provided, single submitter. Criteria: EGL Classification Definitions 2015. Collection method: clinical testing. Allele origin: germline. Observed: 3 variant alleles, 3 heterozygotes.

Genome Diagnostics Laboratory, The Hospital for Sick Children
Classification: Likely benign for Hereditary spastic paraplegia. Last evaluated: 2016-12-12. Review status: criteria provided, single submitter. Criteria: ACMG Guidelines, 2015. Collection method: clinical testing. Allele origin: germline. Affected: yes.

Center for Pediatric Genomic Medicine, Children's Mercy Hospital and Clinics
Classification: Uncertain significance. Last evaluated: 2015-12-14. Review status: criteria provided, single submitter. Criteria: ACMG Guidelines, 2015. Collection method: clinical testing. Allele origin: germline.
ClinVar note: Converted during submission from Uncertain Significance to Uncertain significance.

PreventionGenetics, part of Exact Sciences
Classification: Uncertain significance for POLG-related condition. Last evaluated: 2024-08-08. Review status: no assertion criteria provided. Collection method: clinical testing. Allele origin: germline. Not counted in ClinVar's aggregate classification.
Comment: The POLG c.125_127dupGGC variant is predicted to result in an in-frame duplication (p.Arg42dup). This variant has been reported in a patient with keratoconus (described as c.127_128insGGC, Chen et al. 2022. PubMed ID: 35186329), and was reported to be enriched among a study population of individuals with higher self-rated postoperative pain scores (Loke et al. 2019. PubMed ID: 31571979). This variant is reported in 0.051% of alleles in individuals of African descent in gnomAD, which may be too common to be a primary cause of disease. Although we suspect that this variant may be benign, at this time, the clinical significance of this variant is uncertain due to the absence of conclusive functional and genetic evidence.

Literature cited by the submitters: PubMed 35186329 (cited by Mayo Clinic Laboratories, Mayo Clinic); PubMed 31571979 (cited by Athena Diagnostics).

NM_002693.3(POLG):c.119GGC[4] (p.Arg42dup)

Genes: POLG (DNA polymerase gamma, catalytic subunit; minus strand), POLGARF (POLG alternative reading frame; minus strand). Cytogenetic location: 15q26.1.
Variant type: Microsatellite.
Coding change: c.119GGC[4] on transcript NM_002693.3 (MANE Select); four copies in a row of the 3-base unit GGC starting at c.119; the reference has three copies in a row; one copy, 3 bases duplicated.
Protein change: p.Arg42dup; duplicates arginine 42.
Molecular consequence: inframe insertion.
Genome position (GRCh38, 1-based): chr15:89,333,628-89,333,630, GCC duplicated on the plus strand (GGC on the coding strand, the reverse complement: POLG is on the minus strand); duplicating any 3 consecutive bases within chr15:89,333,628-89,333,638 gives the same sequence; the position shown is the placement nearest the transcript's 3' end. VCF-style (leftmost placement, unchanged base first): chr15-89333627-T-TGCC. GRCh37 (hg19) VCF-style: chr15-89876858-T-TGCC.
Other names: p.Arg42dup; c.119GGC[4], p.Arg42dup (NM_001126131.2); c.125_127dupGGC (NM_002693.2, NM_002693.3).
Identifiers: ClinVar variation 419072 (VCV000419072.29), dbSNP rs761080016, ClinGen allele CA7725200.